The following is an entry in ClinVar:

ClinVar aggregate classification (germline): Uncertain significance (1 of 4 stars; one submission).

Submission:

Women's Health and Genetics/Laboratory Corporation of America, LabCorp
Classification: Uncertain significance. Last evaluated: 2024-09-06. Review status: criteria provided, single submitter. Criteria: LabCorp Variant Classification Summary - May 2015. Collection method: clinical testing. Allele origin: germline.
Comment: Variant summary: NAE1 c.1064C>A (p.Ala355Asp) results in a non-conservative amino acid change located in the THIF-type NAD/FAD binding fold domain (IPR000594) of the encoded protein sequence. Three of five in-silico tools predict a benign effect of the variant on protein function. The variant was absent in 251434 control chromosomes. The available data on variant occurrences in the general population are insufficient to allow any conclusion about variant significance. To our knowledge, no occurrence of c.1064C>A in individuals affected with Neurodevelopmental Disorder With Dysmorphic Facies And Ischiopubic Hypoplasia and no experimental evidence demonstrating its impact on protein function have been reported. No submitters have cited clinical-significance assessments for this variant to ClinVar. Based on the evidence outlined above, the variant was classified as uncertain significance.

NM_003905.4(NAE1):c.1064C>A (p.Ala355Asp)

Gene: NAE1 (NEDD8 activating enzyme E1 subunit 1; minus strand). Cytogenetic location: 16q22.1.
Variant type: single nucleotide variant.
Coding change: c.1064C>A on transcript NM_003905.4 (MANE Select); coding-DNA position 1064, C replaced by A.
Protein change: p.Ala355Asp; replaces alanine 355 with aspartic acid.
Molecular consequence: missense variant.
Genome position (GRCh38, 1-based): chr16:66,810,743, G>T on the plus strand (C>A on the coding strand, the complement: NAE1 is on the minus strand). VCF-style: chr16-66810743-G-T. GRCh37 (hg19) VCF-style: chr16-66844646-G-T.
Other names: c.1046C>A, p.Ala349Asp (NM_001018159.2); c.797C>A, p.Ala266Asp (NM_001018160.2); c.1073C>A, p.Ala358Asp (NM_001286500.2); short protein forms A266D, A349D, A355D, A358D.
Identifiers: ClinVar variation 3375015 (VCV003375015.1).
Genomic context (GRCh38, chr16:66,810,743, plus strand): 5'-GCCCAGTAGCTTACCTGGCCAATGGACTGCAGCAATTTGGCAACATGATTACCCACAGCG[G>T]CAGCATCTTTCTTTGCTTTTTCACGGTAACTAAAAAAGAATAAAAAGCAATTACTAACAA-3'
Protein context (NP_003896.1, residues 345-365): VYREKAKKDA[Ala355Asp]AVGNHVAKLL